The following is an entry in ClinVar:

NM_001018113.3(FANCB):c.2165+1G>T

Gene: FANCB (FA complementation group B; minus strand). Cytogenetic location: Xp22.2.
Variant type: single nucleotide variant.
Coding change: c.2165+1G>T on transcript NM_001018113.3 (MANE Select); the canonical splice donor site of the intron after coding-DNA position 2165, G replaced by T.
Molecular consequence: splice donor variant.
Genome position (GRCh38, 1-based): chrX:14,844,502, C>A on the plus strand (G>T on the coding strand, the complement: FANCB is on the minus strand). VCF-style: chrX-14844502-C-A. GRCh37 (hg19) VCF-style: chrX-14862624-C-A.
Other names: c.2165+1G>T (NM_001410764.1, NM_001324162.2, NM_152633.4).
Identifiers: ClinVar variation 691311 (VCV000691311.2), dbSNP rs1601977379, ClinGen allele CA412438033.
Genomic context (GRCh38, chrX:14,844,502, plus strand): 5'-ACATTGATCACACTCATACACACTCACTTCTCTGGACCAATTACAATTTAATATGCATTA[C>A]CTGGAATAGATTATTAAAATCCCTTCGAATGGTGTTCTCTGTTTCCAAGTGAAGAGTGTC-3'

ClinVar aggregate classification (germline): Pathogenic (0 of 4 stars; one submission).

Conditions:
Fanconi anemia complementation group B (FANCB). Also called: FANCB-Related Fanconi Anemia; FANCONI PANCYTOPENIA, TYPE 2. Identifiers: Orphanet 84, MedGen C1845292, MONDO:0010351, OMIM 300514.

Submission:

Leiden Open Variation Database
Classification: Pathogenic for Fanconi anemia complementation group B. Last evaluated: 2020-02-28. Review status: no assertion criteria provided. Collection method: curation. Allele origin: germline. Affected: yes.
Comment: Curator: Arleen D. Auerbach. Submitter to LOVD: Arleen D. Auerbach.

Literature cited by the submitters: PubMed 21910217.